The following is an entry in ClinVar:

NM_001370338.1(SLC7A2):c.1127G>C (p.Cys376Ser)

Gene: SLC7A2 (solute carrier family 7 member 2; plus strand). Cytogenetic location: 8p22.
Variant type: single nucleotide variant.
Coding change: c.1127G>C on transcript NM_001370338.1 (MANE Select); coding-DNA position 1127, G replaced by C.
Protein change: p.Cys376Ser; replaces cysteine 376 with serine.
Molecular consequence: missense variant. On other transcripts: intron variant (2).
Genome position (GRCh38, 1-based): chr8:17,554,631, G>C. VCF-style: chr8-17554631-G-C. GRCh37 (hg19) VCF-style: chr8-17412140-G-C.
Other names: c.1127G>C, p.Cys376Ser (NM_001008539.4); c.1247G>C, p.Cys416Ser (NM_001164771.2); c.1056-315G>C (NM_001370337.1); c.1176-315G>C (NM_003046.6); short protein forms C376S, C416S.
Identifiers: ClinVar variation 3060883 (VCV003060883.2), dbSNP rs1134975, ClinGen allele CA4644935.

ClinVar aggregate classification (germline): Benign (0 of 4 stars; one submission).

Conditions:
SLC7A2-related disorder. Also called: SLC7A2-related condition.

Allele frequency attached by ClinVar (database versions not stated): ESP Exome Variant Server 0.00046; gnomAD 0.01204; TOPMed 0.01297; ExAC 0.02473; 1000 Genomes Project 30x 0.05512; 1000 Genomes Project 0.06130.
gnomAD v4.1: 18,678 of 1,613,488 alleles (1.2%); highest among the groups gnomAD compares: East Asian, 29%; 2,001 homozygotes.

Submission:

PreventionGenetics, part of Exact Sciences
Classification: Benign for SLC7A2-related condition. Last evaluated: 2019-12-16. Review status: no assertion criteria provided. Collection method: clinical testing. Allele origin: germline.
Comment: This variant is classified as benign based on ACMG/AMP sequence variant interpretation guidelines (Richards et al. 2015 PMID: 25741868, with internal and published modifications).